The following is an entry in ClinVar:

ClinVar aggregate classification (germline): Uncertain significance (1 of 4 stars; one submission).

gnomAD v4.1: 2 of 1,598,590 alleles (0.00013%); highest among the groups gnomAD compares: Non-Finnish European, 0.00017%; no homozygotes.

Submission:

GeneDx
Classification: Uncertain significance. Last evaluated: 2024-10-09. Review status: criteria provided, single submitter. Criteria: GeneDx Variant Classification Process June 2021. Collection method: clinical testing. Allele origin: germline. Affected: yes.
Comment: Not observed at significant frequency in large population cohorts (gnomAD); In silico analysis indicates that this missense variant does not alter protein structure/function; Has not been previously published as pathogenic or benign to our knowledge

NM_012082.4(ZFPM2):c.3237C>G (p.Ile1079Met)

Genes: ZFPM2 (zinc finger protein, FOG family member 2; plus strand), ZFPM2-AS1 (ZFPM2 antisense RNA 1; minus strand), LOC126860469 (BRD4-independent group 4 enhancer GRCh37_chr8:106814445-106815644; plus strand). Cytogenetic location: 8q23.1.
Variant type: single nucleotide variant.
Coding change: c.3237C>G on transcript NM_012082.4 (MANE Select); coding-DNA position 3237, C replaced by G.
Protein change: p.Ile1079Met; replaces isoleucine 1079 with methionine.
Molecular consequence: missense variant.
Genome position (GRCh38, 1-based): chr8:105,803,319, C>G. VCF-style: chr8-105803319-C-G. GRCh37 (hg19) VCF-style: chr8-106815547-C-G.
Other names: c.3078C>G, p.Ile1026Met (NM_001362836.2); c.2841C>G, p.Ile947Met (NM_001362837.2); short protein forms I1026M, I1079M, I947M.
Identifiers: ClinVar variation 3777342 (VCV003777342.1).
Genomic context (GRCh38, chr8:105,803,319, plus strand): 5'-GCAAGAGAACATTTCCCAGAATCCTCAGCACGAAGACGACCACAAATCTCCCTCGTGGAT[C>G]TCTGAGAACCCATTAGCTGCCAATGAGAATGTCTCACCAGGAATTCCCTCAGCAGAGGAA-3'
Protein context (NP_036214.2, residues 1069-1089): HEDDHKSPSW[Ile1079Met]SENPLAANEN